The following is an entry in ClinVar:

ClinVar aggregate classification (germline): Conflicting classifications of pathogenicity. Review status: criteria provided, conflicting classifications (1 of 4 stars). 2 submissions from 2 submitters: Uncertain significance (1); Benign (1). Last evaluated 2025-07-29.

Conditions:
CREBBP-related disorder. Also called: CREBBP-related disorders; CREBBP-related condition.
Rubinstein-Taybi syndrome (RSTS). Identifiers: Orphanet 783, MedGen C0035934, MONDO:0019188.

Allele frequency attached by ClinVar (database versions not stated): gnomAD 0.00001; TOPMed 0.00001.
gnomAD v4.1: 7 of 1,612,052 alleles (0.00043%); highest among the groups gnomAD compares: Admixed American, 0.0083%; no homozygotes.

Submissions (2):

Labcorp Genetics (formerly Invitae), Labcorp
Classification: Benign for Rubinstein-Taybi syndrome. Last evaluated: 2025-07-29. Review status: criteria provided, single submitter. Criteria: Invitae Variant Classification Sherloc (09022015). Collection method: clinical testing. Allele origin: germline.

PreventionGenetics, part of Exact Sciences
Classification: Uncertain significance for CREBBP-related condition. Last evaluated: 2025-03-24. Review status: criteria provided, single submitter. Criteria: ACMG Guidelines, 2015. Collection method: clinical testing. Allele origin: germline.
Comment: The CREBBP c.2287G>T variant is predicted to result in the amino acid substitution p.Ala763Ser. To our knowledge, this variant has not been reported in the literature. This variant is reported in 0.0085% of alleles in individuals of Latino descent in gnomAD. Although we suspect that this variant may be benign, at this time, the clinical significance of this variant is uncertain due to the absence of conclusive functional and genetic evidence.

NM_004380.3(CREBBP):c.2287G>T (p.Ala763Ser)

Gene: CREBBP (CREB binding lysine acetyltransferase; minus strand). Cytogenetic location: 16p13.3.
Variant type: single nucleotide variant.
Coding change: c.2287G>T on transcript NM_004380.3 (MANE Select); coding-DNA position 2287, G replaced by T.
Protein change: p.Ala763Ser; replaces alanine 763 with serine.
Molecular consequence: missense variant.
Genome position (GRCh38, 1-based): chr16:3,773,927, C>A on the plus strand (G>T on the coding strand, the complement: CREBBP is on the minus strand). VCF-style: chr16-3773927-C-A. GRCh37 (hg19) VCF-style: chr16-3823928-C-A.
Other names: c.2173G>T, p.Ala725Ser (NM_001079846.1); c.2287G>T (NM_004380.2); short protein forms A725S, A763S.
Identifiers: ClinVar variation 2082131 (VCV002082131.5), dbSNP rs768288810, ClinGen allele CA7870170.